The following is an entry in ClinVar:

NM_000540.3(RYR1):c.9310G>A (p.Glu3104Lys)

Gene: RYR1 (ryanodine receptor 1; plus strand). Cytogenetic location: 19q13.2.
Variant type: single nucleotide variant.
Coding change: c.9310G>A on transcript NM_000540.3 (MANE Select); coding-DNA position 9310, G replaced by A.
Protein change: p.Glu3104Lys; replaces glutamic acid 3104 with lysine.
Molecular consequence: missense variant.
Genome position (GRCh38, 1-based): chr19:38,512,321, G>A. VCF-style: chr19-38512321-G-A. GRCh37 (hg19) VCF-style: chr19-39002961-G-A.
Other names: NM_000540.3(RYR1):c.9310G>A; c.9310G>A, p.Glu3104Lys (NM_001042723.2); short protein forms E3104K.
Identifiers: ClinVar variation 133240 (VCV000133240.28), dbSNP rs193922832, ClinGen allele CA024976.
Genomic context (GRCh38, chr19:38,512,321, plus strand): 5'-GGCCCTGAGATCGTGAAGGCTGGCCTCCGCTCCTTCTTCGAGAGTGCCTCGGAGGACATC[G>A]AGAAGATGGTGGAGAACCTGCGGCTGGGCAAGGTGTCGCAGGCGCGCACCCAGGTGAAAG-3'
Protein context (NP_000531.2, residues 3094-3114): SFFESASEDI[Glu3104Lys]KMVENLRLGK

ClinVar aggregate classification (germline): Likely pathogenic; drug response. Review status: reviewed by expert panel (3 of 4 stars). 16 submissions from 10 submitters: Likely pathogenic (1). 8 of the submissions do not count toward it. Last evaluated 2025-08-01.

Conditions:
RYR1-related disorder. Also called: RYR1-related disorders; RYR1-related condition. Identifiers: MedGen CN239331.
Malignant hyperthermia, susceptibility to, 1 (MHS1). Also called: Malignant hyperthermia suceptibility 1; Anesthesia related hyperthermia; Malignant hyperpyrexia; Fulminating hyperpyrexia; Pharmacogenic myopathy; RYR1-Related Malignant Hyperthermia Susceptibility. Identifiers: Orphanet 423, MedGen C2930980, MONDO:0007783, OMIM 145600.
succinylcholine response - Toxicity.
sevoflurane response - Toxicity.
isoflurane response - Toxicity.
methoxyflurane response - Toxicity.
halothane response - Toxicity.
desflurane response - Toxicity.
enflurane response - Toxicity.

Allele frequency attached by ClinVar (database versions not stated): gnomAD exomes below 0.00001; ExAC 0.00002.
gnomAD v4.1: 13 of 1,614,234 alleles (0.00081%); highest among the groups gnomAD compares: South Asian, 0.0022%; no homozygotes.

Submissions (16):

ClinGen Malignant Hyperthermia Susceptibility Variant Curation Expert Panel, ClinGen
Classification: Likely pathogenic for Malignant hyperthermia, susceptibility to, 1. Last evaluated: 2025-08-01. Review status: reviewed by expert panel. Criteria: RYR1-MHS Interpretation Guidelines V2. Collection method: curation. Allele origin: germline. Inheritance: Autosomal dominant inheritance.
Comment: This pathogenicity assessment is relevant only for malignant hyperthermia susceptibility (MHS) inherited in an autosomal dominant pattern. Variants in RYR1 can also cause other myopathies inherited in an autosomal dominant pattern or in an autosomal recessive pattern. Some of these disorders may predispose individuals to malignant hyperthermia. RYR1 variants may also contribute to a malignant hyperthermia reaction in combination with other genetic and non-genetic factors and the clinician needs to consider such factors in making management decisions. This sequence variant predicts a substitution of glutamic acid with lysine at codon 3104 of the RYR1 protein, p.(Arg3104Lys). The maximum allele frequency for this variant among the six major gnomAD populations is SAS: 0.000033, a frequency consistent with pathogenicity for MHS. This variant has been reported in five unrelated individuals who have a personal or family history of a malignant hyperthermia reaction, all of these individuals had a positive in vitro contracture test (IVCT) or caffeine halothane contracture test (CHCT) result (if the proband was unavailable for testing, a positive diagnostic test result in a mutation-positive relative was counted), PS4_Moderate (PMID: 30236257). This variant segregates with MHS in five individuals, PP1_Moderate (PMID: 28403410). A functional study in HEK293 cells shows an increased sensitivity to RYR1 agonists, PS3_Moderate (PMID: 28403410). This variant does not reside in a hotspot for pathogenic variants that contribute to MHS. A REVEL score >0.85 (0.869) supports a pathogenic status for this variant, PP3_Moderate. This variant has been classified as Likely Pathogenic. Criteria implemented: PS3_Moderate, PS4_Moderate, PP1_Moderate, PP3_Moderate.

ClinPGx
Classification: drug response for halothane response - Toxicity. Last evaluated: 2021-03-24. Review status: reviewed by expert panel. Criteria: Pharmacogenomics knowledge for personalized medicine. Collection method: curation. Allele origin: germline. Affected: yes.
Comment: PharmGKB Level of Evidence 1A: Level 1A clinical annotations describe variant-drug combinations that have variant-specific prescribing guidance available in a current clinical guideline annotation or an FDA-approved drug label annotation. Annotations of drug labels or clinical guidelines must give prescribing guidance for specific variants (e.g. CYP2C9*3, HLA-B*57:01) or provide mapping from defined allele functions to diplotypes and phenotypes to be used as supporting evidence for a level 1A clinical annotation. Level 1A clinical annotations must also be supported by at least one publication in addition to a clinical guideline or drug label with variant-specific prescribing guidance.

Drug is not necessarily used to treat response condition

ClinPGx
Classification: drug response for isoflurane response - Toxicity. Last evaluated: 2021-03-24. Review status: reviewed by expert panel. Criteria: Pharmacogenomics knowledge for personalized medicine. Collection method: curation. Allele origin: germline. Affected: yes.
Comment: the same text as in the submission from ClinPGx above.

ClinPGx
Classification: drug response for methoxyflurane response - Toxicity. Last evaluated: 2021-03-24. Review status: reviewed by expert panel. Criteria: Pharmacogenomics knowledge for personalized medicine. Collection method: curation. Allele origin: germline. Affected: yes.
Comment: the same text as in the submission from ClinPGx above.

ClinPGx
Classification: drug response for sevoflurane response - Toxicity. Last evaluated: 2021-03-24. Review status: reviewed by expert panel. Criteria: Pharmacogenomics knowledge for personalized medicine. Collection method: curation. Allele origin: germline. Affected: yes.
Comment: the same text as in the submission from ClinPGx above.

ClinPGx
Classification: drug response for succinylcholine response - Toxicity. Last evaluated: 2021-03-24. Review status: reviewed by expert panel. Criteria: Pharmacogenomics knowledge for personalized medicine. Collection method: curation. Allele origin: germline. Affected: yes.
Comment: the same text as in the submission from ClinPGx above.

ClinPGx
Classification: drug response for desflurane response - Toxicity. Last evaluated: 2021-03-24. Review status: reviewed by expert panel. Criteria: Pharmacogenomics knowledge for personalized medicine. Collection method: curation. Allele origin: germline. Affected: yes.
Comment: the same text as in the submission from ClinPGx above.

ClinPGx
Classification: drug response for enflurane response - Toxicity. Last evaluated: 2021-03-24. Review status: reviewed by expert panel. Criteria: Pharmacogenomics knowledge for personalized medicine. Collection method: curation. Allele origin: germline. Affected: yes.
Comment: the same text as in the submission from ClinPGx above.

GeneDx
Classification: Pathogenic. Last evaluated: 2025-08-08. Review status: criteria provided, single submitter. Criteria: GeneDx Variant Classification Process June 2021. Collection method: clinical testing. Allele origin: germline. Affected: yes. Not counted in ClinVar's aggregate classification.
Comment: Observed in multiple unrelated patients from different ethnic backgrounds with malignant hyperthermia susceptibility in published literature and not observed at a significant frequency in controls (PMID: 16917943, 28403410); Published functional studies demonstrate that this variant increases receptor activity and resulting calcium release compared with wild type (PMID: 28403410); Not observed at significant frequency in large population cohorts (gnomAD); In silico analysis supports that this missense variant has a deleterious effect on protein structure/function; This variant is associated with the following publications: (PMID: 20301325, 19648156, 31301762, 31589614, 16917943, Rieko2022[article], 40192509, 28403410, 12668474, 30236257)

Color Diagnostics, LLC DBA Color Health
Classification: Likely pathogenic for Malignant hyperthermia, susceptibility to, 1. Last evaluated: 2025-06-17. Review status: criteria provided, single submitter. Criteria: ACMG Guidelines, 2015. Collection method: clinical testing. Allele origin: germline. Not counted in ClinVar's aggregate classification.
Comment: This missense variant replaces glutamic acid with lysine at codon 3104 of the RYR1 protein. Computational prediction suggests that this variant may have deleterious impact on protein structure and function. A functional study has shown cells expressing this variant have increased sensitivity to RYR1 agonists compared to cells expressing wild-type RYR1 (PMID: 28403410). This variant has been reported in five individuals affected with malignant hyperthermia susceptibility (PMID: 16917943, 19648156, 28403410, 28403410, 30236257). It has been shown that this variant segregates with disease in at least 4 families (PMID: 28403410). This variant has been identified in 1/251370 chromosomes in the general population by the Genome Aggregation Database (gnomAD). Based on the available evidence, this variant is classified as Likely Pathogenic.

All of Us Research Program, National Institutes of Health
Classification: Likely pathogenic for Malignant hyperthermia, susceptibility to, 1. Last evaluated: 2023-06-26. Review status: criteria provided, single submitter. Criteria: ACMG Guidelines, 2015. Collection method: clinical testing. Allele origin: germline. Inheritance: Autosomal dominant inheritance. Observed: 2 variant alleles, 2 heterozygotes. Not counted in ClinVar's aggregate classification.
Comment: This missense variant replaces glutamic acid with lysine at codon 3104 of the RYR1 protein. Computational prediction suggests that this variant may have deleterious impact on protein structure and function (internally defined REVEL score threshold >= 0.7, PMID: 27666373). A functional study in HEK239 cells has shown cells expressing this variant have increased sensitivity to RYR1 agonists compared to cells expressing wild-type RYR1 (PMID: 28403410). This variant has been reported in five individuals affected with malignant hyperthermia susceptibility (PMID: 16917943, 19648156, 28403410, 28403410, 30236257). It has been shown that this variant segregates with disease in at least 4 families (PMID: 28403410). This variant has been identified in 1/251370 chromosomes in the general population by the Genome Aggregation Database (gnomAD). Based on the available evidence, this variant is classified as Likely Pathogenic.

This study involves interpretation of variants in research participants for the purpose of population health screening. Participant phenotype was not available at the time of variant classification. Additional details can be found in publication PMID: 35346344, PMCID: PMC8962531

Labcorp Genetics (formerly Invitae), Labcorp
Classification: Pathogenic for RYR1-related disorder. Last evaluated: 2022-04-25. Review status: criteria provided, single submitter. Criteria: Invitae Variant Classification Sherloc (09022015). Collection method: clinical testing. Allele origin: germline. Not counted in ClinVar's aggregate classification.
Comment: This variant is present in population databases (rs193922832, gnomAD 0.003%). For these reasons, this variant has been classified as Pathogenic. Experimental studies have shown that this missense change affects RYR1 function (PMID: 28403410). Advanced modeling of protein sequence and biophysical properties (such as structural, functional, and spatial information, amino acid conservation, physicochemical variation, residue mobility, and thermodynamic stability) performed at Invitae indicates that this missense variant is expected to disrupt RYR1 protein function. ClinVar contains an entry for this variant (Variation ID: 133240). This missense change has been observed in individuals with malignant hyperthermia susceptibility (PMID: 16917943, 19648156). This sequence change replaces glutamic acid, which is acidic and polar, with lysine, which is basic and polar, at codon 3104 of the RYR1 protein (p.Glu3104Lys).

Revvity Omics, Revvity
Classification: Likely pathogenic. Last evaluated: 2019-08-07. Review status: criteria provided, single submitter. Criteria: ACMG Guidelines, 2015. Collection method: clinical testing. Allele origin: germline. Not counted in ClinVar's aggregate classification.

PreventionGenetics, part of Exact Sciences
Classification: Likely pathogenic. Last evaluated: 2015-12-28. Review status: criteria provided, single submitter. Criteria: ACMG Guidelines, 2015. Collection method: clinical testing. Allele origin: germline. Not counted in ClinVar's aggregate classification.

Juno Genomics, Hangzhou Juno Genomics, Inc
Classification: Likely pathogenic for Malignant hyperthermia, susceptibility to, 1. Review status: criteria provided, single submitter. Criteria: ACMG Guidelines, 2015. Collection method: clinical testing. Allele origin: germline. Not counted in ClinVar's aggregate classification.
Comment: Absent from controls (or at extremely low frequency if recessive) in Genome Aggregation Database.;Multiple lines of computational evidence support a deleterious effect on the gene or gene product.;The prevalence of the variant in affected individuals is significantly increased compared to the prevalence in controls.;Co-segregation with disease in multiple affected family members.

RYR1 database
No classification provided. Review status: no classification provided. Collection method: not provided. Allele origin: unknown. Not counted in ClinVar's aggregate classification.

Literature cited by the submitters: PubMed 19648156 (cited by 4 submitters); PubMed 16917943 (cited by 3 submitters); PubMed 28403410 (cited by 3 submitters); PubMed 30236257 (cited by Color Diagnostics, LLC DBA Color Health and All of Us Research Program, National Institutes of Health).